The following is an entry in ClinVar:

ClinVar aggregate classification (germline): Uncertain significance. Review status: criteria provided, multiple submitters, no conflicts (2 of 4 stars). 2 submissions from 2 submitters: Uncertain significance (2). Last evaluated 2025-10-09.

Conditions:
Hereditary cancer-predisposing syndrome. Also called: Neoplastic Syndromes, Hereditary; Tumor predisposition; Hereditary neoplastic syndrome; Hereditary Cancer Syndrome. Identifiers: Orphanet 140162, MedGen C0027672, MeSH D009386, MONDO:0015356.
Familial cancer of breast. Also called: BREAST CANCER, FAMILIAL; Hereditary breast cancer; hereditary breast carcinoma. Identifiers: Orphanet 227535, MedGen C0346153, MONDO:0016419, OMIM 114480. Disease mechanism: loss of function.

Submissions (2):

Labcorp Genetics (formerly Invitae), Labcorp
Classification: Uncertain significance for Familial cancer of breast. Last evaluated: 2025-10-09. Review status: criteria provided, single submitter. Criteria: Invitae Variant Classification Sherloc (09022015). Collection method: clinical testing. Allele origin: germline.
Comment: This sequence change replaces serine, which is neutral and polar, with glycine, which is neutral and non-polar, at codon 184 of the PALB2 protein (p.Ser184Gly). This variant is not present in population databases (gnomAD no frequency). This variant has not been reported in the literature in individuals affected with PALB2-related conditions. ClinVar contains an entry for this variant (Variation ID: 825792). An algorithm developed to predict the effect of missense changes on protein structure and function outputs the following: PolyPhen-2: "Benign". The glycine amino acid residue is found in multiple mammalian species, which suggests that this missense change does not adversely affect protein function. In summary, the available evidence is currently insufficient to determine the role of this variant in disease. Therefore, it has been classified as a Variant of Uncertain Significance.

Ambry Genetics
Classification: Uncertain significance for Hereditary cancer-predisposing syndrome. Last evaluated: 2023-12-14. Review status: criteria provided, single submitter. Criteria: Ambry Variant Classification Scheme 2023. Collection method: clinical testing. Allele origin: germline.
Comment: The p.S184G variant (also known as c.550A>G), located in coding exon 4 of the PALB2 gene, results from an A to G substitution at nucleotide position 550. The serine at codon 184 is replaced by glycine, an amino acid with similar properties. This amino acid position is poorly conserved in available vertebrate species. In addition, this alteration is predicted to be tolerated by in silico analysis. Since supporting evidence is limited at this time, the clinical significance of this alteration remains unclear.

NM_024675.4(PALB2):c.550A>G (p.Ser184Gly)

Gene: PALB2 (partner and localizer of BRCA2; minus strand). Cytogenetic location: 16p12.2.
Variant type: single nucleotide variant.
Coding change: c.550A>G on transcript NM_024675.4 (MANE Select); coding-DNA position 550, A replaced by G.
Protein change: p.Ser184Gly; replaces serine 184 with glycine.
Molecular consequence: missense variant.
Genome position (GRCh38, 1-based): chr16:23,635,996, T>C on the plus strand (A>G on the coding strand, the complement: PALB2 is on the minus strand). VCF-style: chr16-23635996-T-C. GRCh37 (hg19) VCF-style: chr16-23647317-T-C.
Other names: short protein forms S184G.
Identifiers: ClinVar variation 825792 (VCV000825792.10), dbSNP rs1597098904, ClinGen allele CA395136865.